The following is an entry in ClinVar:

NM_014334.4(FRRS1L):c.145G>C (p.Asp49His)

Gene: FRRS1L (ferric chelate reductase 1 like; minus strand). Cytogenetic location: 9q31.3.
Variant type: single nucleotide variant.
Coding change: c.145G>C on transcript NM_014334.4 (MANE Select); coding-DNA position 145, G replaced by C.
Protein change: p.Asp49His; replaces aspartic acid 49 with histidine.
Molecular consequence: missense variant.
Genome position (GRCh38, 1-based): chr9:109,166,994, C>G on the plus strand (G>C on the coding strand, the complement: FRRS1L is on the minus strand). VCF-style: chr9-109166994-C-G. GRCh37 (hg19) VCF-style: chr9-111929274-C-G.
Other names: short protein forms D49H.
Identifiers: ClinVar variation 852951 (VCV000852951.1), dbSNP rs1051565536, ClinGen allele CA197584985.

ClinVar aggregate classification (germline): Uncertain significance (1 of 4 stars; one submission).

Conditions:
Developmental and epileptic encephalopathy, 37 (DEE37). Also called: Epileptic encephalopathy, early infantile, 37. Identifiers: MedGen C4310770, MONDO:0014859, OMIM 616981.

Submission:

Labcorp Genetics (formerly Invitae), Labcorp
Classification: Uncertain significance for Epileptic encephalopathy, early infantile, 37. Last evaluated: 2019-06-17. Review status: criteria provided, single submitter. Criteria: Invitae Variant Classification Sherloc (09022015). Collection method: clinical testing. Allele origin: germline.
Comment: This sequence change replaces aspartic acid with histidine at codon 100 of the FRRS1L protein (p.Asp100His). The aspartic acid residue is weakly conserved and there is a moderate physicochemical difference between aspartic acid and histidine. The frequency data for this variant in the population databases is considered unreliable, as metrics indicate insufficient coverage at this position in the ExAC database. This variant has not been reported in the literature in individuals with FRRS1L-related conditions. Algorithms developed to predict the effect of missense changes on protein structure and function (SIFT, PolyPhen-2, Align-GVGD) all suggest that this variant is likely to be tolerated, but these predictions have not been confirmed by published functional studies and their clinical significance is uncertain. In summary, the available evidence is currently insufficient to determine the role of this variant in disease. Therefore, it has been classified as a Variant of Uncertain Significance.